The following is an entry in ClinVar:

ClinVar aggregate classification (germline): Conflicting classifications of pathogenicity. Review status: criteria provided, conflicting classifications (1 of 4 stars). 2 submissions from 2 submitters: Uncertain significance (1); Likely benign (1). Last evaluated 2023-07-17.

Submissions (2):

Labcorp Genetics (formerly Invitae), Labcorp
Classification: Likely benign. Last evaluated: 2023-07-17. Review status: criteria provided, single submitter. Criteria: Invitae Variant Classification Sherloc (09022015). Collection method: clinical testing. Allele origin: germline.

GeneDx
Classification: Uncertain significance. Last evaluated: 2023-03-26. Review status: criteria provided, single submitter. Criteria: GeneDx Variant Classification Process June 2021. Collection method: clinical testing. Allele origin: germline. Affected: yes.
Comment: In silico analysis supports that this missense variant has a deleterious effect on protein structure/function; Has not been previously published as pathogenic or benign to our knowledge

NM_001069.3(TUBB2A):c.344C>T (p.Ser115Leu)

Gene: TUBB2A (tubulin beta 2A class IIa; minus strand). Cytogenetic location: 6p25.2.
Variant type: single nucleotide variant.
Coding change: c.344C>T on transcript NM_001069.3 (MANE Select); coding-DNA position 344, C replaced by T.
Protein change: p.Ser115Leu; replaces serine 115 with leucine.
Molecular consequence: missense variant.
Genome position (GRCh38, 1-based): chr6:3,154,857, G>A on the plus strand (C>T on the coding strand, the complement: TUBB2A is on the minus strand). VCF-style: chr6-3154857-G-A. GRCh37 (hg19) VCF-style: chr6-3155091-G-A.
Other names: c.89C>T, p.Ser30Leu (NM_001310315.2); short protein forms S115L, S30L.
Identifiers: ClinVar variation 2581897 (VCV002581897.4), dbSNP rs1215339340, ClinGen allele CA362592952.